The following is an entry in ClinVar:

ClinVar aggregate classification (germline): Conflicting classifications of pathogenicity. Review status: criteria provided, conflicting classifications (1 of 4 stars). 2 submissions from 2 submitters: Uncertain significance (1); Benign (1). Last evaluated 2025-10-26.

Conditions:
Melnick-Needles syndrome (MNS). Also called: MELNICK-NEEDLES OSTEODYSPLASTY; Melnick-Needles Syndrome (FLNA-MNS); OSTEODYSPLASTY OF MELNICK AND NEEDLES. Identifiers: Orphanet 2484, MedGen C0025237, MONDO:0010650, OMIM 309350.
Frontometaphyseal dysplasia (FMD1). Identifiers: Orphanet 1826, MedGen C0265293, MONDO:0015942.
Heterotopia, periventricular, X-linked dominant (PVNH1). Also called: PERIVENTRICULAR NODULAR HETEROTOPIA 1; X-linked periventricular heterotopia; PERIVENTRICULAR NODULAR HETEROTOPIA 4; HETEROTOPIA, PERIVENTRICULAR, 1. Identifiers: Orphanet 2149, Orphanet 82004, MedGen C1848213, MONDO:0010233, OMIM 300049.
Oto-palato-digital syndrome, type II (OPD2). Also called: FACIOPALATOOSSEOUS SYNDROME; Otopalatodigital Syndrome Type 2 (FLNA-OPD2); OPD II SYNDROME; Otopalatodigital Syndrome, Type II. Identifiers: Orphanet 669, Orphanet 90652, MedGen C1844696, MONDO:0010571, OMIM 304120.

Allele frequency attached by ClinVar (database versions not stated): gnomAD exomes below 0.00001 and 0.00001; ExAC 0.00003.
gnomAD v4.1: 3 of 1,201,965 alleles (0.00025%); highest among the groups gnomAD compares: South Asian, 0.0018%; no homozygotes.

Submissions (2):

Labcorp Genetics (formerly Invitae), Labcorp
Classification: Benign for Oto-palato-digital syndrome, type II; Heterotopia, periventricular, X-linked dominant; Frontometaphyseal dysplasia; Melnick-Needles syndrome. Last evaluated: 2025-10-26. Review status: criteria provided, single submitter. Criteria: Invitae Variant Classification Sherloc (09022015). Collection method: clinical testing. Allele origin: germline.

ARUP Laboratories, Molecular Genetics and Genomics, ARUP Laboratories
Classification: Uncertain significance. Last evaluated: 2024-10-21. Review status: criteria provided, single submitter. Criteria: ARUP Molecular Germline Variant Investigation Process 2024. Collection method: clinical testing. Allele origin: germline.
Comment: The FLNA c.17C>T; p.Ser6Phe variant (rs782780394), to our knowledge, is not reported in the medical literature but is reported in ClinVar (Variation ID: 1430169). This variant is only observed on two alleles in the Genome Aggregation Database (v2.1.1), indicating it is not a common polymorphism. Computational analyses are uncertain whether this variant is neutral or deleterious (REVEL: 0.255). Due to limited information, the clinical significance of this variant is uncertain at this time.

NM_001110556.2(FLNA):c.17C>T (p.Ser6Phe)

Gene: FLNA (filamin A; minus strand). Cytogenetic location: Xq28.
Variant type: single nucleotide variant.
Coding change: c.17C>T on transcript NM_001110556.2 (MANE Select); coding-DNA position 17, C replaced by T.
Protein change: p.Ser6Phe; replaces serine 6 with phenylalanine.
Molecular consequence: missense variant.
Genome position (GRCh38, 1-based): chrX:154,371,229, G>A on the plus strand (C>T on the coding strand, the complement: FLNA is on the minus strand). VCF-style: chrX-154371229-G-A. GRCh37 (hg19) VCF-style: chrX-153599597-G-A.
Other names: c.17C>T, p.Ser6Phe (NM_001456.4); short protein forms S6F.
Identifiers: ClinVar variation 1430169 (VCV001430169.7), dbSNP rs782780394, ClinGen allele CA10561477.